The following is an entry in ClinVar:

NM_006079.5(CITED2):c.13A>G (p.Met5Val)

Gene: CITED2 (Cbp/p300 interacting transactivator with Glu/Asp rich carboxy-terminal domain 2; minus strand). Cytogenetic location: 6q24.1.
Variant type: single nucleotide variant.
Coding change: c.13A>G on transcript NM_006079.5 (MANE Select); coding-DNA position 13, A replaced by G.
Protein change: p.Met5Val; replaces methionine 5 with valine.
Molecular consequence: missense variant.
Genome position (GRCh38, 1-based): chr6:139,373,932, T>C on the plus strand (A>G on the coding strand, the complement: CITED2 is on the minus strand). VCF-style: chr6-139373932-T-C. GRCh37 (hg19) VCF-style: chr6-139695069-T-C.
Other names: c.13A>G, p.Met5Val (NM_001168388.3); c.28A>G, p.Met10Val (NM_001168389.3); short protein forms M10V, M5V.
Identifiers: ClinVar variation 1050048 (VCV001050048.1), dbSNP rs1778320748, ClinGen allele CA365878360.

ClinVar aggregate classification (germline): Uncertain significance (0 of 4 stars; one submission).

Allele frequency attached by ClinVar (database versions not stated): TOPMed below 0.00001.

Submission:

Department of Pathology and Laboratory Medicine, Sinai Health System
Classification: Uncertain significance. Review status: no assertion criteria provided. Collection method: clinical testing. Allele origin: unknown. Affected: yes. Study: The Canadian Open Genetics Repository (COGR).
Comment: The CITED2 p.Met5Val variant was not identified in the literature nor was it identified in dbSNP, ClinVar or in the following control databases: the 1000 Genomes Project, the NHLBI GO Exome Sequencing Project, or the Genome Aggregation Database (March 6, 2019, v2.1.1). The p.Met5 residue is conserved in mammals and computational analyses (PolyPhen-2, SIFT, AlignGVGD, BLOSUM, MutationTaster) provide inconsistent predictions regarding the impact to the protein; this information is not very predictive of pathogenicity. The variant occurs outside of the splicing consensus sequence and in silico or computational prediction software programs (SpliceSiteFinder, MaxEntScan, NNSPLICE, GeneSplicer) do not predict a difference in splicing. In summary, based on the above information the clinical significance of this variant cannot be determined with certainty at this time. This variant is classified as a variant of uncertain significance.